The following is an entry in ClinVar:

ClinVar aggregate classification (germline): Uncertain significance (1 of 4 stars; one submission).

Conditions:
Primary ciliary dyskinesia. Also called: Ciliary dyskinesia. Identifiers: Orphanet 244, MedGen C0008780, MONDO:0016575, HP:0012265.

Allele frequency attached by ClinVar (database versions not stated): gnomAD exomes below 0.00001; ExAC 0.00001; 1000 Genomes Project 30x 0.00016; 1000 Genomes Project 0.00020.

Submission:

Labcorp Genetics (formerly Invitae), Labcorp
Classification: Uncertain significance for Primary ciliary dyskinesia. Last evaluated: 2017-09-27. Review status: criteria provided, single submitter. Criteria: Invitae Variant Classification Sherloc (09022015). Collection method: clinical testing. Allele origin: germline.
Comment: This sequence change replaces glycine with arginine at codon 194 of the DNAAF2 protein (p.Gly194Arg). The glycine residue is highly conserved and there is a moderate physicochemical difference between glycine and arginine. This variant is present in population databases (rs557931447, ExAC 0.01%). In summary, the available evidence is currently insufficient to determine the role of this variant in disease. Therefore, it has been classified as a Variant of Uncertain Significance. Algorithms developed to predict the effect of missense changes on protein structure and function do not agree on the potential impact of this missense change (SIFT: "Deleterious"; PolyPhen-2: "Probably Damaging"; Align-GVGD: "Class C0"). This variant has not been reported in the literature in individuals with DNAAF2-related disease.

NM_018139.3(DNAAF2):c.580G>C (p.Gly194Arg)

Gene: DNAAF2 (dynein axonemal assembly factor 2; minus strand). Cytogenetic location: 14q21.3.
Variant type: single nucleotide variant.
Coding change: c.580G>C on transcript NM_018139.3 (MANE Select); coding-DNA position 580, G replaced by C.
Protein change: p.Gly194Arg; replaces glycine 194 with arginine.
Molecular consequence: missense variant.
Genome position (GRCh38, 1-based): chr14:49,634,570, C>G on the plus strand (G>C on the coding strand, the complement: DNAAF2 is on the minus strand). VCF-style: chr14-49634570-C-G. GRCh37 (hg19) VCF-style: chr14-50101288-C-G.
Other names: c.580G>C, p.Gly194Arg (NM_001083908.2); short protein forms G194R.
Identifiers: ClinVar variation 525334 (VCV000525334.9), dbSNP rs557931447, ClinGen allele CA7173082.